The following is an entry in ClinVar:

ClinVar aggregate classification (germline): Uncertain significance (1 of 4 stars; one submission).

Submission:

Ambry Genetics
Classification: Uncertain significance. Last evaluated: 2026-06-15. Review status: criteria provided, single submitter. Criteria: Ambry Variant Classification Scheme 2023. Collection method: clinical testing. Allele origin: germline.
Comment: The p.P548S variant (also known as c.1642C>T), located in coding exon 7 of the WNK2 gene, results from a C to T substitution at nucleotide position 1642. The proline at codon 548 is replaced by serine, an amino acid with similar properties. This amino acid position is conserved. In addition, this alteration is predicted to be tolerated by in silico analysis. Based on the available evidence, the clinical significance of this variant remains unclear.

NM_006648.4(WNK2):c.1642C>T (p.Pro548Ser)

Gene: WNK2 (WNK lysine deficient protein kinase 2; plus strand). Cytogenetic location: 9q22.31.
Variant type: single nucleotide variant.
Coding change: c.1642C>T on transcript NM_006648.4 (MANE Select); coding-DNA position 1642, C replaced by T.
Protein change: p.Pro548Ser; replaces proline 548 with serine.
Molecular consequence: missense variant.
Genome position (GRCh38, 1-based): chr9:93,247,642, C>T. VCF-style: chr9-93247642-C-T. GRCh37 (hg19) VCF-style: chr9-96009924-C-T.
Other names: c.1642C>T, p.Pro548Ser (NM_001282394.3); short protein forms P548S.
Identifiers: ClinVar variation 5031780 (VCV005031780.1).